The following is an entry in ClinVar:

NM_000264.5(PTCH1):c.2251-3C>G

Genes: PTCH1 (patched 1; minus strand), LOC100507346 (uncharacterized LOC100507346; plus strand). Cytogenetic location: 9q22.32.
Variant type: single nucleotide variant.
Coding change: c.2251-3C>G on transcript NM_000264.5 (MANE Select); 3 bases into the intron before coding-DNA position 2251, C replaced by G.
Molecular consequence: intron variant. On other transcripts: non-coding transcript variant (1).
Genome position (GRCh38, 1-based): chr9:95,467,428, G>C on the plus strand (C>G on the coding strand, the complement: PTCH1 is on the minus strand). VCF-style: chr9-95467428-G-C. GRCh37 (hg19) VCF-style: chr9-98229710-G-C.
Other names: c.2248-3C>G (NM_001083603.3); c.2053-3C>G (NM_001083602.3); c.2095-3C>G (NM_001354918.2); c.1798-3C>G (NM_001083605.3, NM_001083604.3, NM_001083606.3 and 1 more transcripts).
Identifiers: ClinVar variation 642869 (VCV000642869.9), dbSNP rs1588569651, ClinGen allele CA915947048.

ClinVar aggregate classification (germline): Uncertain significance (1 of 4 stars; one submission).

Conditions:
Gorlin syndrome. Also called: Basal cell nevus syndrome; Nevoid Basal Cell Carcinoma Syndrome. Identifiers: Orphanet 377, MedGen C0004779, MONDO:0007187.

Submission:

Labcorp Genetics (formerly Invitae), Labcorp
Classification: Uncertain significance for Gorlin syndrome. Last evaluated: 2023-09-12. Review status: criteria provided, single submitter. Criteria: Invitae Variant Classification Sherloc (09022015). Collection method: clinical testing. Allele origin: germline.
Comment: In summary, the available evidence is currently insufficient to determine the role of this variant in disease. Therefore, it has been classified as a Variant of Uncertain Significance. Variants that disrupt the consensus splice site are a relatively common cause of aberrant splicing (PMID: 17576681, 9536098). RNA analysis performed to evaluate the impact of this variant on mRNA splicing indicates it does not significantly alter splicing (PMID: 18502968). ClinVar contains an entry for this variant (Variation ID: 642869). This variant has been observed in individual(s) with PTCH1-related conditions (PMID: 1850296, 33441926). This variant is not present in population databases (gnomAD no frequency). This sequence change falls in intron 14 of the PTCH1 gene. It does not directly change the encoded amino acid sequence of the PTCH1 protein. It affects a nucleotide within the consensus splice site.

Literature cited by the submitters: PubMed 17576681; PubMed 9536098; PubMed 18502968; PubMed 1850296; PubMed 33441926.